The following is an entry in ClinVar:

NM_138713.4(NFAT5):c.2113G>C (p.Gly705Arg)

Gene: NFAT5 (nuclear factor of activated T cells 5; plus strand). Cytogenetic location: 16q22.1.
Variant type: single nucleotide variant.
Coding change: c.2113G>C on transcript NM_138713.4 (MANE Select); coding-DNA position 2113, G replaced by C.
Protein change: p.Gly705Arg; replaces glycine 705 with arginine.
Molecular consequence: missense variant.
Genome position (GRCh38, 1-based): chr16:69,691,938, G>C. VCF-style: chr16-69691938-G-C. GRCh37 (hg19) VCF-style: chr16-69725841-G-C.
Other names: c.2110G>C, p.Gly704Arg (NM_001113178.3); c.1438G>C, p.Gly480Arg (NM_001367709.1); c.2059G>C, p.Gly687Arg (NM_006599.4); c.1831G>C, p.Gly611Arg (NM_138714.4, NM_173214.3, NM_173215.3); short protein forms G480R, G611R, G687R, G704R, G705R.
Identifiers: ClinVar variation 1010989 (VCV001010989.8), dbSNP rs151223997, ClinGen allele CA283373376.

ClinVar aggregate classification (germline): Uncertain significance (1 of 4 stars; one submission).

Conditions:
Immunodeficiency. Identifiers: MedGen C0021051, MONDO:0021094, HP:0002721.

Allele frequency attached by ClinVar (database versions not stated): ESP Exome Variant Server 0.00008.

Submission:

Labcorp Genetics (formerly Invitae), Labcorp
Classification: Uncertain significance for Immunodeficiency. Last evaluated: 2022-06-04. Review status: criteria provided, single submitter. Criteria: Invitae Variant Classification Sherloc (09022015). Collection method: clinical testing. Allele origin: germline.
Comment: In summary, the available evidence is currently insufficient to determine the role of this variant in disease. Therefore, it has been classified as a Variant of Uncertain Significance. Algorithms developed to predict the effect of missense changes on protein structure and function are either unavailable or do not agree on the potential impact of this missense change (SIFT: "Deleterious"; PolyPhen-2: "Probably Damaging"; Align-GVGD: "Class C0"). ClinVar contains an entry for this variant (Variation ID: 1010989). This variant has not been reported in the literature in individuals affected with NFAT5-related conditions. This variant is not present in population databases (gnomAD no frequency). This sequence change replaces glycine, which is neutral and non-polar, with arginine, which is basic and polar, at codon 611 of the NFAT5 protein (p.Gly611Arg).